The following is an entry in ClinVar:

NM_006648.4(WNK2):c.271G>A (p.Gly91Arg)

Gene: WNK2 (WNK lysine deficient protein kinase 2; plus strand). Cytogenetic location: 9q22.31.
Variant type: single nucleotide variant.
Coding change: c.271G>A on transcript NM_006648.4 (MANE Select); coding-DNA position 271, G replaced by A.
Protein change: p.Gly91Arg; replaces glycine 91 with arginine.
Molecular consequence: missense variant.
Genome position (GRCh38, 1-based): chr9:93,185,200, G>A. VCF-style: chr9-93185200-G-A. GRCh37 (hg19) VCF-style: chr9-95947482-G-A.
Other names: c.271G>A, p.Gly91Arg (NM_001282394.3); short protein forms G91R.
Identifiers: ClinVar variation 3470129 (VCV003470129.1).

ClinVar aggregate classification (germline): Uncertain significance (1 of 4 stars; one submission).

gnomAD v4.1: 2 of 1,161,736 alleles (0.00017%); highest among the groups gnomAD compares: Non-Finnish European, 0.00011%; no homozygotes.

Submission:

Ambry Genetics
Classification: Uncertain significance. Last evaluated: 2024-10-17. Review status: criteria provided, single submitter. Criteria: Ambry Variant Classification Scheme 2023. Collection method: clinical testing. Allele origin: germline.
Comment: The p.G91R variant (also known as c.271G>A), located in coding exon 1 of the WNK2 gene, results from a G to A substitution at nucleotide position 271. The glycine at codon 91 is replaced by arginine, an amino acid with dissimilar properties. This amino acid position is conserved. In addition, this alteration is predicted to be tolerated by in silico analysis. Based on the available evidence, the clinical significance of this variant remains unclear.